The following is an entry in ClinVar:

NM_005138.3(SCO2):c.445dup (p.Arg149fs)

Genes: NCAPH2 (non-SMC condensin II complex subunit H2; plus strand), SCO2 (synthesis of cytochrome C oxidase 2; minus strand). Cytogenetic location: 22q13.33.
Variant type: Duplication.
Coding change: c.445dup on transcript NM_005138.3 (MANE Select); coding-DNA position 445, one base duplicated (C; older notation c.445dupC).
Protein change: p.Arg149fs; shifts the reading frame from arginine 149.
Molecular consequence: frameshift variant. On other transcripts: 3 prime UTR variant (2).
Genome position (GRCh38, 1-based): chr22:50,523,967, G duplicated on the plus strand (C on the coding strand, the reverse complement: SCO2 is on the minus strand). VCF-style (leftmost placement, unchanged base first): chr22-50523966-C-CG. GRCh37 (hg19) VCF-style: chr22-50962395-C-CG.
Other names: c.*592dup (NM_001185011.2, NM_152299.4); c.445dup, p.Arg149fs (NM_001169109.2, NM_001169110.1, NM_001169111.2); short protein forms R149fs.
Identifiers: ClinVar variation 2779728 (VCV002779728.4), dbSNP rs2069206788, ClinGen allele CA1026667914.

ClinVar aggregate classification (germline): Pathogenic/Likely pathogenic. Review status: criteria provided, multiple submitters, no conflicts (2 of 4 stars). 2 submissions from 2 submitters: Pathogenic (1); Likely pathogenic (1). Last evaluated 2025-11-04.

Conditions:
Cardioencephalomyopathy, fatal infantile, due to cytochrome c oxidase deficiency 1 (MC4DN2). Also called: CYTOCHROME c OXIDASE DEFICIENCY, FATAL INFANTILE, WITH CARDIOENCEPHALOMYOPATHY; MITOCHONDRIAL COMPLEX IV DEFICIENCY, NUCLEAR TYPE 2. Identifiers: Orphanet 1561, MedGen C5399977, MONDO:0011451, OMIM 604377.

Allele frequency attached by ClinVar (database versions not stated): gnomAD exomes below 0.00001; TOPMed below 0.00001; gnomAD 0.00001.

Submissions (2):

Myriad Genetics, Inc.
Classification: Likely pathogenic for Cardioencephalomyopathy, fatal infantile, due to cytochrome c oxidase deficiency 1. Last evaluated: 2025-11-04. Review status: criteria provided, single submitter. Criteria: Myriad Autosomal Dominant, Autosomal Recessive and X-Linked Classification Criteria (2023). Collection method: clinical testing. Allele origin: unknown.
Comment: NM_005138.2(SCO2):c.445dupC(R149Pfs*27) is a frameshift variant classified as likely pathogenic in the context of mitochondrial complex IV deficiency, SCO2-related. R149Pfs*27 has not been observed in cases with relevant disease. Relevant functional assessments of this variant are not available in the literature. R149Pfs*27 has not been observed in referenced population frequency databases. In summary, NM_005138.2(SCO2):c.445dupC(R149Pfs*27) is a frameshift variant that has internal structural support for pathogenicity and has been observed more frequently in cases with the relevant disease than in healthy populations. Please note: this variant was assessed in the context of healthy population screening.

Labcorp Genetics (formerly Invitae), Labcorp
Classification: Pathogenic. Last evaluated: 2023-12-22. Review status: criteria provided, single submitter. Criteria: Invitae Variant Classification Sherloc (09022015). Collection method: clinical testing. Allele origin: germline.
Comment: This sequence change creates a premature translational stop signal (p.Arg149Profs*27) in the SCO2 gene. While this is not anticipated to result in nonsense mediated decay, it is expected to disrupt the last 118 amino acid(s) of the SCO2 protein. This variant is not present in population databases (gnomAD no frequency). This variant has not been reported in the literature in individuals affected with SCO2-related conditions. This variant disrupts a region of the SCO2 protein in which other variant(s) (p.Gly193Ser) have been determined to be pathogenic (PMID: 19353847, 29193756, 32600061). This suggests that this is a clinically significant region of the protein, and that variants that disrupt it are likely to be disease-causing. For these reasons, this variant has been classified as Pathogenic.

Literature cited by the submitters: PubMed 19353847 (cited by Labcorp Genetics (formerly Invitae), Labcorp); PubMed 29193756 (cited by Labcorp Genetics (formerly Invitae), Labcorp); PubMed 32600061 (cited by Labcorp Genetics (formerly Invitae), Labcorp).